The following is an entry in ClinVar:

NM_004304.5(ALK):c.166G>A (p.Val56Ile)

Gene: ALK (ALK receptor tyrosine kinase; minus strand). Cytogenetic location: 2p23.1.
Variant type: single nucleotide variant.
Coding change: c.166G>A on transcript NM_004304.5 (MANE Select); coding-DNA position 166, G replaced by A.
Protein change: p.Val56Ile; replaces valine 56 with isoleucine.
Molecular consequence: missense variant.
Genome position (GRCh38, 1-based): chr2:29,920,494, C>T on the plus strand (G>A on the coding strand, the complement: ALK is on the minus strand). VCF-style: chr2-29920494-C-T. GRCh37 (hg19) VCF-style: chr2-30143360-C-T.
Other names: short protein forms V56I.
Identifiers: ClinVar variation 4039010 (VCV004039010.1).

ClinVar aggregate classification (germline): Uncertain significance (1 of 4 stars; one submission).

Conditions:
Hereditary cancer-predisposing syndrome. Also called: Neoplastic Syndromes, Hereditary; Tumor predisposition; Hereditary neoplastic syndrome; Hereditary Cancer Syndrome. Identifiers: Orphanet 140162, MedGen C0027672, MeSH D009386, MONDO:0015356.

Submission:

Ambry Genetics
Classification: Uncertain significance for Hereditary cancer-predisposing syndrome. Last evaluated: 2025-04-16. Review status: criteria provided, single submitter. Criteria: Ambry Variant Classification Scheme 2023. Collection method: clinical testing. Allele origin: germline.
Comment: The p.V56I variant (also known as c.166G>A), located in coding exon 1 of the ALK gene, results from a G to A substitution at nucleotide position 166. The valine at codon 56 is replaced by isoleucine, an amino acid with highly similar properties. This amino acid position is highly conserved in available vertebrate species. In addition, the in silico prediction for this alteration is inconclusive. Based on the available evidence, the clinical significance of this variant remains unclear.